The following is an entry in ClinVar:

ClinVar aggregate classification (germline): Conflicting classifications of pathogenicity. Review status: criteria provided, conflicting classifications (1 of 4 stars). 2 submissions from 2 submitters: Pathogenic (1); Uncertain significance (1). Last evaluated 2025-07-07.

Conditions:
Baller-Gerold syndrome (BGS). Also called: CRANIOSYNOSTOSIS WITH RADIAL DEFECTS. Identifiers: Orphanet 1225, MedGen C0265308, MONDO:0009039, OMIM 218600.
Rapadilino syndrome. Identifiers: Orphanet 3021, MedGen C1849453, MONDO:0009955, OMIM 266280.
Rothmund-Thomson syndrome type 2 (RTS2). Identifiers: Orphanet 221016, MedGen C5203410, MONDO:0016369, OMIM 268400.

Allele frequency attached by ClinVar (database versions not stated): TOPMed 0.00001; ExAC 0.00001; gnomAD exomes 0.00001.
gnomAD v4.1: 8 of 1,611,120 alleles (0.0005%); highest among the groups gnomAD compares: East Asian, 0.0089%; no homozygotes.

Submissions (2):

Labcorp Genetics (formerly Invitae), Labcorp
Classification: Pathogenic for Baller-Gerold syndrome. Last evaluated: 2025-07-07. Review status: criteria provided, single submitter. Criteria: Invitae Variant Classification Sherloc (09022015). Collection method: clinical testing. Allele origin: germline.
Comment: This sequence change affects a donor splice site in intron 10 of the RECQL4 gene. It is expected to disrupt RNA splicing. Variants that disrupt the donor or acceptor splice site typically lead to a loss of protein function (PMID: 16199547), and loss-of-function variants in RECQL4 are known to be pathogenic (PMID: 12734318, 12952869). This variant is present in population databases (rs772896860, gnomAD 0.01%). Disruption of this splice site has been observed in individuals with Rothmund-Thomson syndrome (PMID: 20503338, 40031098). It has also been observed to segregate with disease in related individuals. ClinVar contains an entry for this variant (Variation ID: 952231). Algorithms developed to predict the effect of sequence changes on RNA splicing suggest that this variant may disrupt the consensus splice site. For these reasons, this variant has been classified as Pathogenic.

Juno Genomics, Hangzhou Juno Genomics, Inc
Classification: Uncertain significance for Baller-Gerold syndrome; Rapadilino syndrome; Rothmund-Thomson syndrome type 2. Review status: criteria provided, single submitter. Criteria: ACMG Guidelines, 2015. Collection method: clinical testing. Allele origin: germline.
Comment: Null variant in a gene where loss of function (LOF) is a known mechanism of disease.;Absent from controls (or at extremely low frequency if recessive) in Genome Aggregation Database.

Literature cited by the submitters: PubMed 16199547 (cited by Labcorp Genetics (formerly Invitae), Labcorp); PubMed 12734318 (cited by Labcorp Genetics (formerly Invitae), Labcorp); PubMed 12952869 (cited by Labcorp Genetics (formerly Invitae), Labcorp); PubMed 20503338 (cited by Labcorp Genetics (formerly Invitae), Labcorp); PubMed 40031098 (cited by Labcorp Genetics (formerly Invitae), Labcorp).

NM_004260.4(RECQL4):c.1704+2T>C

Gene: RECQL4 (RecQ like helicase 4; minus strand). Cytogenetic location: 8q24.3.
Variant type: single nucleotide variant.
Coding change: c.1704+2T>C on transcript NM_004260.4 (MANE Select); the canonical splice donor site of the intron after coding-DNA position 1704, T replaced by C.
Molecular consequence: splice donor variant.
Genome position (GRCh38, 1-based): chr8:144,514,440, A>G on the plus strand (T>C on the coding strand, the complement: RECQL4 is on the minus strand). VCF-style: chr8-144514440-A-G. GRCh37 (hg19) VCF-style: chr8-145739824-A-G.
Other names: c.1575+2T>C (NM_001413025.1); c.1353+2T>C (NM_001413029.1); c.567+2T>C (NM_001413032.1, NM_001413027.1, NM_001413031.1 and 2 more transcripts); c.633+2T>C (NM_001413035.1, NM_001413040.1, NM_001413021.1 and 7 more transcripts); c.1608+2T>C (NM_001413017.1, NM_001413020.1); c.1674+2T>C (NM_001413039.1); c.1704+2T>C (NM_001413033.1, NM_001413018.1, NM_001413036.1 and 1 more transcripts); c.237+2T>C (NM_001413043.1); and 1 more.
Identifiers: ClinVar variation 952231 (VCV000952231.9), dbSNP rs772896860, ClinGen allele CA4948712.